The following is an entry in ClinVar:

NM_016599.5(MYOZ2):c.376+2T>C

Gene: MYOZ2 (myozenin 2; plus strand). Cytogenetic location: 4q26.
Variant type: single nucleotide variant.
Coding change: c.376+2T>C on transcript NM_016599.5 (MANE Select); the canonical splice donor site of the intron after coding-DNA position 376, T replaced by C.
Molecular consequence: splice donor variant.
Genome position (GRCh38, 1-based): chr4:119,158,153, T>C. VCF-style: chr4-119158153-T-C. GRCh37 (hg19) VCF-style: chr4-120079308-T-C.
Identifiers: ClinVar variation 504451 (VCV000504451.10), dbSNP rs112675369, ClinGen allele CA358204064.

ClinVar aggregate classification (germline): Uncertain significance. Review status: criteria provided, multiple submitters, no conflicts (2 of 4 stars). 3 submissions from 3 submitters: Uncertain significance (3). Last evaluated 2023-08-07.

Conditions:
Hypertrophic cardiomyopathy. Also called: HYPERTROPHIC MYOCARDIOPATHY. Identifiers: Orphanet 217569, MedGen C0007194, MeSH D002312, MONDO:0005045, HP:0001639.
Cardiovascular phenotype. Identifiers: MedGen CN230736.

Allele frequency attached by ClinVar (database versions not stated): gnomAD exomes below 0.00001; gnomAD 0.00002; TOPMed 0.00002.
gnomAD v4.1: 7 of 1,613,920 alleles (0.00043%); highest among the groups gnomAD compares: African/African-American, 0.0093%; no homozygotes.

Submissions (3):

Ambry Genetics
Classification: Uncertain significance for Cardiovascular phenotype. Last evaluated: 2023-08-07. Review status: criteria provided, single submitter. Criteria: Ambry Variant Classification Scheme 2023. Collection method: clinical testing. Allele origin: germline.
Comment: The c.376+2T>C intronic variant results from a T to C substitution two nucleotides after coding exon 3 in the MYOZ2 gene. This nucleotide position is highly conserved in available vertebrate species. In silico splice site analysis predicts that this alteration will weaken the native splice donor site. Alterations that disrupt the canonical splice site are expected to cause aberrant splicing, resulting in an abnormal protein or a transcript that is subject to nonsense-mediated mRNA decay; however, +2T>C alterations are capable of generating wild-type transcripts in some genomic contexts and should be interpreted with caution (Lin JH et al. Hum Mutat. 2019 10;40:1856-1873). Additionally, the evidence for this gene-disease relationship is limited; therefore, the clinical significance of this alteration is unclear.

Labcorp Genetics (formerly Invitae), Labcorp
Classification: Uncertain significance for Hypertrophic cardiomyopathy. Last evaluated: 2023-05-15. Review status: criteria provided, single submitter. Criteria: Invitae Variant Classification Sherloc (09022015). Collection method: clinical testing. Allele origin: germline.
Comment: This sequence change affects a donor splice site in intron 4 of the MYOZ2 gene. It is expected to disrupt RNA splicing. Variants that disrupt the donor or acceptor splice site typically lead to a loss of protein function (PMID: 16199547), however the current clinical and genetic evidence is not sufficient to establish whether loss-of-function variants in MYOZ2 cause disease. This variant is not present in population databases (gnomAD no frequency). This variant has not been reported in the literature in individuals affected with MYOZ2-related conditions. ClinVar contains an entry for this variant (Variation ID: 504451). Algorithms developed to predict the effect of sequence changes on RNA splicing suggest that this variant may disrupt the consensus splice site. In summary, the available evidence is currently insufficient to determine the role of this variant in disease. Therefore, it has been classified as a Variant of Uncertain Significance.

GeneDx
Classification: Uncertain significance. Last evaluated: 2021-05-14. Review status: criteria provided, single submitter. Criteria: GeneDx Variant Classification Process June 2021. Collection method: clinical testing. Allele origin: germline. Affected: yes.
Comment: Has not been previously published as pathogenic or benign to our knowledge; Not observed at significant frequency in large population cohorts (Lek et al., 2016); Canonical splice site variant in a gene for which loss-of-function is not a known mechanism of disease

Literature cited by the submitters: PubMed 16199547 (cited by Labcorp Genetics (formerly Invitae), Labcorp).